The following is an entry in ClinVar:

NM_001037165.2(FOXK1):c.69A>C (p.Pro23=)

Gene: FOXK1 (forkhead box K1; plus strand). Cytogenetic location: 7p22.1.
Variant type: single nucleotide variant.
Coding change: c.69A>C on transcript NM_001037165.2 (MANE Select); coding-DNA position 69, A replaced by C.
Protein change: p.Pro23=; no amino-acid change (proline 23 retained).
Molecular consequence: synonymous variant.
Genome position (GRCh38, 1-based): chr7:4,682,377, A>C. VCF-style: chr7-4682377-A-C. GRCh37 (hg19) VCF-style: chr7-4722008-A-C.
Identifiers: ClinVar variation 4083876 (VCV004083876.8).

ClinVar aggregate classification (germline): Likely benign (1 of 4 stars; one submission).

gnomAD v4.1: 3,967 of 982,650 alleles (0.4%); highest among the groups gnomAD compares: Admixed American, 0.55%; 14 homozygotes.

Submission:

CeGaT Center for Human Genetics Tuebingen
Classification: Likely benign. Last evaluated: 2025-07-01. Review status: criteria provided, single submitter. Criteria: CeGaT Center For Human Genetics Tuebingen Variant Classification Criteria Version 2. Collection method: clinical testing. Allele origin: germline. Affected: yes. Observed: 1 variant allele.
Comment: FOXK1: BP4, BP7, BS2